The following is an entry in ClinVar:

ClinVar aggregate classification (germline): Uncertain significance (1 of 4 stars; one submission).

Conditions:
TTC21B-related disorder. Also called: TTC21B-related disorders; TTC21B-related condition.

Submission:

PreventionGenetics, part of Exact Sciences
Classification: Uncertain significance for TTC21B-related condition. Last evaluated: 2025-10-06. Review status: criteria provided, single submitter. Criteria: ACMG Guidelines, 2015. Collection method: clinical testing. Allele origin: germline.
Comment: The TTC21B c.3472C>T variant is predicted to result in the amino acid substitution p.Pro1158Ser. To our knowledge, this variant has not been reported in the literature. This variant is reported in 0.00088% of alleles in individuals of European (Non-Finnish) descent in gnomAD. At this time, the clinical significance of this variant is uncertain due to the absence of conclusive functional and genetic evidence.

NM_024753.5(TTC21B):c.3472C>T (p.Pro1158Ser)

Gene: TTC21B (tetratricopeptide repeat domain 21B; minus strand). Cytogenetic location: 2q24.3.
Variant type: single nucleotide variant.
Coding change: c.3472C>T on transcript NM_024753.5 (MANE Select); coding-DNA position 3472, C replaced by T.
Protein change: p.Pro1158Ser; replaces proline 1158 with serine.
Molecular consequence: missense variant.
Genome position (GRCh38, 1-based): chr2:165,884,006, G>A on the plus strand (C>T on the coding strand, the complement: TTC21B is on the minus strand). VCF-style: chr2-165884006-G-A. GRCh37 (hg19) VCF-style: chr2-166740516-G-A.
Other names: short protein forms P1158S.
Identifiers: ClinVar variation 4996413 (VCV004996413.1).